The following is an entry in ClinVar:

NM_001283009.2(RTEL1):c.2114A>G (p.Tyr705Cys)

Genes: RTEL1 (regulator of telomere elongation helicase 1; plus strand), RTEL1-TNFRSF6B (RTEL1-TNFRSF6B readthrough (NMD candidate); plus strand). Cytogenetic location: 20q13.33.
Variant type: single nucleotide variant.
Coding change: c.2114A>G on transcript NM_001283009.2 (MANE Select); coding-DNA position 2114, A replaced by G.
Protein change: p.Tyr705Cys; replaces tyrosine 705 with cysteine.
Molecular consequence: missense variant. On other transcripts: non-coding transcript variant (1).
Genome position (GRCh38, 1-based): chr20:63,689,838, A>G. VCF-style: chr20-63689838-A-G. GRCh37 (hg19) VCF-style: chr20-62321191-A-G.
Other names: p.Tyr729Cys; c.1445A>G, p.Tyr482Cys (NM_001283010.1); c.2114A>G, p.Tyr705Cys (NM_016434.4); c.2186A>G, p.Tyr729Cys (NM_032957.5); short protein forms Y482C, Y705C, Y729C.
Identifiers: ClinVar variation 981516 (VCV000981516.30), dbSNP rs2090684972, ClinGen allele CA409679328.

ClinVar aggregate classification (germline): Uncertain significance. Review status: criteria provided, multiple submitters, no conflicts (2 of 4 stars). 4 submissions from 4 submitters: Uncertain significance (3). 1 of the submissions does not count toward it. Last evaluated 2024-08-15.

Conditions:
Pulmonary fibrosis and/or bone marrow failure, Telomere-related, 3. Also called: PULMONARY FIBROSIS AND/OR BONE MARROW FAILURE SYNDROME, TELOMERE-RELATED, 3. Identifiers: Orphanet 2032, MedGen C4225346, MONDO:0014613, OMIM 616373.
Inborn genetic diseases. Identifiers: MedGen C0950123, MeSH D030342.
Telomere syndrome. Identifiers: MedGen C4727832, MONDO:0100137.

Allele frequency attached by ClinVar (database versions not stated): gnomAD exomes below 0.00001; TOPMed below 0.00001; gnomAD 0.00001.
gnomAD v4.1: 4 of 1,610,768 alleles (0.00025%); highest among the groups gnomAD compares: Non-Finnish European, 0.00034%; no homozygotes.

Submissions (4):

Mayo Clinic Laboratories, Mayo Clinic
Classification: Uncertain significance. Last evaluated: 2024-08-15. Review status: criteria provided, single submitter. Criteria: ACMG Guidelines, 2015. Collection method: clinical testing. Allele origin: germline. Observed: 1 variant allele.
Comment: PP3, PP4, PM2

Ambry Genetics
Classification: Uncertain significance for Inborn genetic diseases. Last evaluated: 2023-11-02. Review status: criteria provided, single submitter. Criteria: Ambry Variant Classification Scheme 2023. Collection method: clinical testing. Allele origin: germline.

Johns Hopkins Genomics, Johns Hopkins University
Classification: Uncertain significance for Pulmonary fibrosis and/or bone marrow failure, Telomere-related, 3. Last evaluated: 2020-09-29. Review status: criteria provided, single submitter. Criteria: ACMG Guidelines, 2015. Collection method: clinical testing. Allele origin: germline.
Comment: This RTEL1 variant is absent from a large population dataset and has not been reported in ClinVar nor the literature, to our knowledge. Three bioinformatic tools queried predict that this substitution would be damaging, and the tyrosine residue at this position is highly evolutionarily conserved in mammals. Due to insufficient evidence that this variant is deleterious, we consider the clinical significance of c.2114A>G to be uncertain at this time.

The Telomere Center at Johns Hopkins, Johns Hopkins University School of Medicine
Classification: Pathogenic for Telomere syndrome. Last evaluated: 2022-08-01. Review status: no assertion criteria provided. Collection method: clinical testing. Allele origin: germline. Affected: yes. Observed: 1 variant allele. Not counted in ClinVar's aggregate classification.
Comment: Classified as pathogenic based on classic short telomere phenotype and very short telomere length and expert opinion.